The following is an entry in ClinVar:

NM_001060.6(TBXA2R):c.337A>G (p.Ile113Val)

Gene: TBXA2R (thromboxane A2 receptor; minus strand). Cytogenetic location: 19p13.3.
Variant type: single nucleotide variant.
Coding change: c.337A>G on transcript NM_001060.6 (MANE Select); coding-DNA position 337, A replaced by G.
Protein change: p.Ile113Val; replaces isoleucine 113 with valine.
Molecular consequence: missense variant.
Genome position (GRCh38, 1-based): chr19:3,600,298, T>C on the plus strand (A>G on the coding strand, the complement: TBXA2R is on the minus strand). VCF-style: chr19-3600298-T-C. GRCh37 (hg19) VCF-style: chr19-3600296-T-C.
Other names: c.337A>G, p.Ile113Val (NM_201636.3); short protein forms I113V.
Identifiers: ClinVar variation 3657815 (VCV003657815.2).

ClinVar aggregate classification (germline): Uncertain significance (1 of 4 stars; one submission).

gnomAD v4.1: 2 of 1,612,844 alleles (0.00012%); highest among the groups gnomAD compares: Non-Finnish European, 0.00017%; no homozygotes.

Submission:

Labcorp Genetics (formerly Invitae), Labcorp
Classification: Uncertain significance. Last evaluated: 2024-06-25. Review status: criteria provided, single submitter. Criteria: Invitae Variant Classification Sherloc (09022015). Collection method: clinical testing. Allele origin: germline.
Comment: This sequence change replaces isoleucine, which is neutral and non-polar, with valine, which is neutral and non-polar, at codon 113 of the TBXA2R protein (p.Ile113Val). This variant is not present in population databases (gnomAD no frequency). This variant has not been reported in the literature in individuals affected with TBXA2R-related conditions. Advanced modeling of protein sequence and biophysical properties (such as structural, functional, and spatial information, amino acid conservation, physicochemical variation, residue mobility, and thermodynamic stability) performed at Invitae indicates that this missense variant is not expected to disrupt TBXA2R protein function with a negative predictive value of 80%. In summary, the available evidence is currently insufficient to determine the role of this variant in disease. Therefore, it has been classified as a Variant of Uncertain Significance.